The following is an entry in ClinVar:

ClinVar aggregate classification (germline): Pathogenic (1 of 4 stars; one submission).

Conditions:
Joubert syndrome. Also called: CEREBELLOPARENCHYMAL DISORDER IV; JOUBERT-BOLTSHAUSER SYNDROME; Familial aplasia of the vermis. Identifiers: Orphanet 475, MedGen C5979921, MONDO:0018772.
Meckel-Gruber syndrome. Also called: DYSENCEPHALIA SPLANCHNOCYSTICA; GRUBER SYNDROME; Dysencephalia splachnocystica. Identifiers: Orphanet 564, MedGen C0265215, MONDO:0018921.

Submission:

Labcorp Genetics (formerly Invitae), Labcorp
Classification: Pathogenic for Joubert syndrome; Meckel-Gruber syndrome. Last evaluated: 2023-03-08. Review status: criteria provided, single submitter. Criteria: Invitae Variant Classification Sherloc (09022015). Collection method: clinical testing. Allele origin: germline.
Comment: This sequence change creates a premature translational stop signal (p.Leu670Phefs*12) in the RPGRIP1L gene. It is expected to result in an absent or disrupted protein product. Loss-of-function variants in RPGRIP1L are known to be pathogenic (PMID: 17558409). This variant is not present in population databases (gnomAD no frequency). This variant has not been reported in the literature in individuals affected with RPGRIP1L-related conditions. For these reasons, this variant has been classified as Pathogenic.

Literature cited by the submitters: PubMed 17558409.

NM_015272.5(RPGRIP1L):c.2009dup (p.Leu670fs)

Gene: RPGRIP1L (RPGRIP1 like; minus strand). Cytogenetic location: 16q12.2.
Variant type: Duplication.
Coding change: c.2009dup on transcript NM_015272.5 (MANE Select); coding-DNA position 2009, one base duplicated (T; older notation c.2009dupT).
Protein change: p.Leu670fs; shifts the reading frame from leucine 670.
Molecular consequence: frameshift variant.
Genome position (GRCh38, 1-based): chr16:53,652,678, A duplicated on the plus strand (T on the coding strand, the reverse complement: RPGRIP1L is on the minus strand); the first of 5 consecutive A bases (chr16:53,652,678-53,652,682); duplicating any one gives the same sequence. VCF-style (leftmost placement, unchanged base first): chr16-53652677-C-CA. GRCh37 (hg19) VCF-style: chr16-53686589-C-CA.
Other names: c.2009dup, p.Leu670fs (NM_001127897.4, NM_001308334.3, NM_001330538.2); short protein forms L670fs.
Identifiers: ClinVar variation 2945133 (VCV002945133.3), dbSNP rs2544205607, ClinGen allele CA2740093366.